The following is an entry in ClinVar:

NM_001613.4(ACTA2):c.722G>A (p.Ser241Asn)

Genes: ACTA2-AS1 (ACTA2 antisense RNA 1; plus strand), ACTA2 (actin alpha 2, smooth muscle; minus strand). Cytogenetic location: 10q23.31.
Variant type: single nucleotide variant.
Coding change: c.722G>A on transcript NM_001613.4 (MANE Select); coding-DNA position 722, G replaced by A.
Protein change: p.Ser241Asn; replaces serine 241 with asparagine.
Molecular consequence: missense variant. On other transcripts: non-coding transcript variant (1).
Genome position (GRCh38, 1-based): chr10:88,939,593, C>T on the plus strand (G>A on the coding strand, the complement: ACTA2 is on the minus strand). VCF-style: chr10-88939593-C-T. GRCh37 (hg19) VCF-style: chr10-90699350-C-T.
Other names: c.722G>A, p.Ser241Asn (NM_001141945.3, NM_001320855.2, NM_001406462.1 and 2 more transcripts); c.611G>A, p.Ser204Asn (NM_001406466.1); c.593G>A, p.Ser198Asn (NM_001406467.1, NM_001406468.1, NM_001406469.1); short protein forms S241N, S198N, S204N.
Identifiers: ClinVar variation 925338 (VCV000925338.8), dbSNP rs756232774, ClinGen allele CA377511323.

ClinVar aggregate classification (germline): Uncertain significance. Review status: criteria provided, multiple submitters, no conflicts (2 of 4 stars). 2 submissions from 2 submitters: Uncertain significance (2). Last evaluated 2023-12-04.

Conditions:
Familial thoracic aortic aneurysm and aortic dissection (TAAD). Also called: Thoracic aortic aneurysms and dissections. Identifiers: Orphanet 91387, MedGen C4707243, MONDO:0019625.

Allele frequency attached by ClinVar (database versions not stated): TOPMed below 0.00001; gnomAD 0.00001.

Submissions (2):

Color Diagnostics, LLC DBA Color Health
Classification: Uncertain significance for Familial thoracic aortic aneurysm and aortic dissection. Last evaluated: 2023-12-04. Review status: criteria provided, single submitter. Criteria: ACMG Guidelines, 2015. Collection method: clinical testing. Allele origin: germline.
Comment: Variant of Uncertain Significance due to insufficient evidence: This missense variant replaces serine with asparagine at codon 241 of the ACTA2 protein. Computational prediction tools and conservation analyses are inconclusive regarding the impact of this variant on the protein function. Computational splicing tools suggest that this variant may not impact RNA splicing. To our knowledge, functional assays have not been performed for this variant nor has this variant been reported in individuals affected with cardiovascular disorders in the literature. This variant is rare in the general population and has been identified in 0/277264 chromosomes by the Genome Aggregation Database (gnomAD). Available evidence is insufficient to determine the role of this variant in disease conclusively.

Ambry Genetics
Classification: Uncertain significance for Familial thoracic aortic aneurysm and aortic dissection. Last evaluated: 2023-11-01. Review status: criteria provided, single submitter. Criteria: Ambry Variant Classification Scheme 2023. Collection method: clinical testing. Allele origin: germline.
Comment: The p.S241N variant (also known as c.722G>A), located in coding exon 6 of the ACTA2 gene, results from a G to A substitution at nucleotide position 722. The serine at codon 241 is replaced by asparagine, an amino acid with highly similar properties. This amino acid position is conserved. In addition, the in silico prediction for this alteration is inconclusive. Since supporting evidence is limited at this time, the clinical significance of this alteration remains unclear.